The following is an entry in ClinVar:

ClinVar aggregate classification (germline): Benign/Likely benign. Review status: criteria provided, multiple submitters, no conflicts (2 of 4 stars). 4 submissions from 4 submitters: Benign (1); Likely benign (3). Last evaluated 2026-01-13.

Conditions:
COL5A1-related disorder. Also called: COL5A1-related condition.
Ehlers-Danlos syndrome, classic type, 1 (EDSCL1). Also called: Ehlers-Danlos syndrome, type 1; EHLERS-DANLOS SYNDROME, GRAVIS TYPE; EHLERS-DANLOS SYNDROME, SEVERE CLASSIC TYPE; Ehlers-Danlos Syndrome, Classic Type, COL5A1-Related; EDS I. Identifiers: MedGen C0268335, MONDO:0019567, OMIM 130000.

Allele frequency attached by ClinVar (database versions not stated): gnomAD 0.00003; TOPMed 0.00003; gnomAD exomes 0.00004; ExAC 0.00005; ESP Exome Variant Server 0.00008.
gnomAD v4.1: 58 of 1,614,084 alleles (0.0036%); highest among the groups gnomAD compares: Non-Finnish European, 0.0046%; no homozygotes.

Submissions (4):

Labcorp Genetics (formerly Invitae), Labcorp
Classification: Likely benign for Ehlers-Danlos syndrome, classic type, 1. Last evaluated: 2026-01-13. Review status: criteria provided, single submitter. Criteria: Invitae Variant Classification Sherloc (09022015). Collection method: clinical testing. Allele origin: germline.

Women's Health and Genetics/Laboratory Corporation of America, LabCorp
Classification: Benign. Last evaluated: 2025-09-24. Review status: criteria provided, single submitter. Criteria: LabCorp Variant Classification Summary - May 2015. Collection method: clinical testing. Allele origin: germline.

PreventionGenetics, part of Exact Sciences
Classification: Likely benign for COL5A1-related condition. Last evaluated: 2025-04-02. Review status: criteria provided, single submitter. Criteria: ACMG Guidelines, 2015. Collection method: clinical testing. Allele origin: germline.
Comment: This variant is classified as likely benign based on ACMG/AMP sequence variant interpretation guidelines (Richards et al. 2015 PMID: 25741868, with internal and published modifications).

Blueprint Genetics
Classification: Likely benign. Last evaluated: 2021-08-23. Review status: criteria provided, single submitter. Criteria: ACMG Guidelines, 2015. Collection method: clinical testing. Allele origin: germline.

NM_000093.5(COL5A1):c.1389+8C>G

Gene: COL5A1 (collagen type V alpha 1 chain; plus strand). Cytogenetic location: 9q34.3.
Variant type: single nucleotide variant.
Coding change: c.1389+8C>G on transcript NM_000093.5 (MANE Select); 8 bases into the intron after coding-DNA position 1389, C replaced by G.
Molecular consequence: intron variant.
Genome position (GRCh38, 1-based): chr9:134,732,135, C>G. VCF-style: chr9-134732135-C-G. GRCh37 (hg19) VCF-style: chr9-137623981-C-G.
Other names: c.1389+8C>G (NM_000093.4, NM_001278074.1).
Identifiers: ClinVar variation 1933959 (VCV001933959.8), dbSNP rs371283167, ClinGen allele CA5318748.